The following is an entry in ClinVar:

ClinVar aggregate classification (germline): Uncertain significance (1 of 4 stars; one submission).

Submission:

Ambry Genetics
Classification: Uncertain significance. Last evaluated: 2024-01-11. Review status: criteria provided, single submitter. Criteria: Ambry Variant Classification Scheme 2023. Collection method: clinical testing. Allele origin: germline.
Comment: The p.S191L variant (also known as c.572C>T), located in coding exon 7 of the BUB1 gene, results from a C to T substitution at nucleotide position 572. The serine at codon 191 is replaced by leucine, an amino acid with dissimilar properties. This amino acid position is conserved. In addition, this alteration is predicted to be tolerated by in silico analysis. Since supporting evidence is limited at this time, the clinical significance of this alteration remains unclear.

NM_004336.5(BUB1):c.572C>T (p.Ser191Leu)

Gene: BUB1 (BUB1 mitotic checkpoint serine/threonine kinase; minus strand). Cytogenetic location: 2q13.
Variant type: single nucleotide variant.
Coding change: c.572C>T on transcript NM_004336.5 (MANE Select); coding-DNA position 572, C replaced by T.
Protein change: p.Ser191Leu; replaces serine 191 with leucine.
Molecular consequence: missense variant.
Genome position (GRCh38, 1-based): chr2:110,667,845, G>A on the plus strand (C>T on the coding strand, the complement: BUB1 is on the minus strand). VCF-style: chr2-110667845-G-A. GRCh37 (hg19) VCF-style: chr2-111425422-G-A.
Other names: c.512C>T, p.Ser171Leu (NM_001278616.2); c.572C>T, p.Ser191Leu (NM_001278617.2); short protein forms S171L, S191L.
Identifiers: ClinVar variation 1749316 (VCV001749316.2), dbSNP rs2468028759, ClinGen allele CA348218385.